The following is an entry in ClinVar:

NM_001382391.1(CSPP1):c.1571A>T (p.Tyr524Phe)

Gene: CSPP1 (centrosome and spindle pole associated protein 1; plus strand). Cytogenetic location: 8q13.2.
Variant type: single nucleotide variant.
Coding change: c.1571A>T on transcript NM_001382391.1 (MANE Select); coding-DNA position 1571, A replaced by T.
Protein change: p.Tyr524Phe; replaces tyrosine 524 with phenylalanine.
Molecular consequence: missense variant.
Genome position (GRCh38, 1-based): chr8:67,118,322, A>T. VCF-style: chr8-67118322-A-T. GRCh37 (hg19) VCF-style: chr8-68030557-A-T.
Other names: c.674A>T, p.Tyr225Phe (NM_001291339.2); c.1490A>T, p.Tyr497Phe (NM_001363131.2); c.1529A>T, p.Tyr510Phe (NM_001363132.2); c.1448A>T, p.Tyr483Phe (NM_001363133.2); c.1637A>T, p.Tyr546Phe (NM_001364869.1); c.1457A>T, p.Tyr486Phe (NM_001364870.1); c.1556A>T, p.Tyr519Phe (NM_024790.7); short protein forms Y497F, Y225F, Y483F, Y510F, Y519F, Y486F, Y524F, Y546F.
Identifiers: ClinVar variation 1042230 (VCV001042230.9), dbSNP rs1818329945, ClinGen allele CA371200684.

ClinVar aggregate classification (germline): Uncertain significance. Review status: criteria provided, multiple submitters, no conflicts (2 of 4 stars). 2 submissions from 2 submitters: Uncertain significance (2). Last evaluated 2025-08-24.

Conditions:
Joubert syndrome 21 (JBTS21). Identifiers: MedGen C3810212, MONDO:0014288, OMIM 615636.
Inborn genetic diseases. Identifiers: MedGen C0950123, MeSH D030342.

Submissions (2):

Ambry Genetics
Classification: Uncertain significance for Inborn genetic diseases. Last evaluated: 2025-08-24. Review status: criteria provided, single submitter. Criteria: Ambry Variant Classification Scheme 2023. Collection method: clinical testing. Allele origin: germline.

Labcorp Genetics (formerly Invitae), Labcorp
Classification: Uncertain significance for Joubert syndrome 21. Last evaluated: 2022-03-10. Review status: criteria provided, single submitter. Criteria: Invitae Variant Classification Sherloc (09022015). Collection method: clinical testing. Allele origin: germline.
Comment: In summary, the available evidence is currently insufficient to determine the role of this variant in disease. Therefore, it has been classified as a Variant of Uncertain Significance. Algorithms developed to predict the effect of missense changes on protein structure and function are either unavailable or do not agree on the potential impact of this missense change (SIFT: "Tolerated"; PolyPhen-2: "Probably Damaging"; Align-GVGD: "Class C0"). ClinVar contains an entry for this variant (Variation ID: 1042230). This variant has not been reported in the literature in individuals affected with CSPP1-related conditions. This variant is not present in population databases (gnomAD no frequency). This sequence change replaces tyrosine, which is neutral and polar, with phenylalanine, which is neutral and non-polar, at codon 519 of the CSPP1 protein (p.Tyr519Phe).